The following is an entry in ClinVar:

NM_005732.4(RAD50):c.202C>T (p.His68Tyr)

Gene: RAD50 (RAD50 double strand break repair protein; plus strand). Cytogenetic location: 5q31.1.
Variant type: single nucleotide variant.
Coding change: c.202C>T on transcript NM_005732.4 (MANE Select); coding-DNA position 202, C replaced by T.
Protein change: p.His68Tyr; replaces histidine 68 with tyrosine.
Molecular consequence: missense variant.
Genome position (GRCh38, 1-based): chr5:132,559,356, C>T. VCF-style: chr5-132559356-C-T. GRCh37 (hg19) VCF-style: chr5-131895048-C-T.
Other names: c.202C>T (NM_005732.3); short protein forms H68Y.
Identifiers: ClinVar variation 1393363 (VCV001393363.7), dbSNP rs2149831321, ClinGen allele CA360953752.

ClinVar aggregate classification (germline): Uncertain significance. Review status: criteria provided, multiple submitters, no conflicts (2 of 4 stars). 2 submissions from 2 submitters: Uncertain significance (2). Last evaluated 2024-04-27.

Conditions:
Hereditary cancer-predisposing syndrome. Also called: Neoplastic Syndromes, Hereditary; Hereditary neoplastic syndrome; Tumor predisposition; Hereditary Cancer Syndrome. Identifiers: Orphanet 140162, MedGen C0027672, MeSH D009386, MONDO:0015356.

Submissions (2):

Ambry Genetics
Classification: Uncertain significance for Hereditary cancer-predisposing syndrome. Last evaluated: 2024-04-27. Review status: criteria provided, single submitter. Criteria: Ambry Variant Classification Scheme 2023. Collection method: clinical testing. Allele origin: germline.
Comment: The p.H68Y variant (also known as c.202C>T), located in coding exon 2 of the RAD50 gene, results from a C to T substitution at nucleotide position 202. The histidine at codon 68 is replaced by tyrosine, an amino acid with similar properties. This amino acid position is conserved. In addition, this alteration is predicted to be tolerated by in silico analysis. Based on the available evidence, the clinical significance of this variant remains unclear.

Labcorp Genetics (formerly Invitae), Labcorp
Classification: Uncertain significance for Hereditary cancer-predisposing syndrome. Last evaluated: 2023-11-08. Review status: criteria provided, single submitter. Criteria: Invitae Variant Classification Sherloc (09022015). Collection method: clinical testing. Allele origin: germline.
Comment: This sequence change replaces histidine, which is basic and polar, with tyrosine, which is neutral and polar, at codon 68 of the RAD50 protein (p.His68Tyr). This variant is not present in population databases (gnomAD no frequency). This variant has not been reported in the literature in individuals affected with RAD50-related conditions. ClinVar contains an entry for this variant (Variation ID: 1393363). Advanced modeling of protein sequence and biophysical properties (such as structural, functional, and spatial information, amino acid conservation, physicochemical variation, residue mobility, and thermodynamic stability) performed at Invitae indicates that this missense variant is not expected to disrupt RAD50 protein function with a negative predictive value of 80%. In summary, the available evidence is currently insufficient to determine the role of this variant in disease. Therefore, it has been classified as a Variant of Uncertain Significance.